The following is an entry in ClinVar:

NM_000038.6(APC):c.4972A>C (p.Ser1658Arg)

Gene: APC (APC regulator of Wnt signaling pathway; plus strand). Cytogenetic location: 5q22.2.
Variant type: single nucleotide variant.
Coding change: c.4972A>C on transcript NM_000038.6 (MANE Select); coding-DNA position 4972, A replaced by C.
Protein change: p.Ser1658Arg; replaces serine 1658 with arginine.
Molecular consequence: missense variant.
Genome position (GRCh38, 1-based): chr5:112,840,566, A>C. VCF-style: chr5-112840566-A-C. GRCh37 (hg19) VCF-style: chr5-112176263-A-C.
Other names: c.4972A>C, p.Ser1658Arg (NM_001127510.3, NM_001354895.2); c.4918A>C, p.Ser1640Arg (NM_001127511.3); c.5026A>C, p.Ser1676Arg (NM_001354896.2); c.5002A>C, p.Ser1668Arg (NM_001354897.2); c.4897A>C, p.Ser1633Arg (NM_001354898.2); c.4888A>C, p.Ser1630Arg (NM_001354899.2); c.4849A>C, p.Ser1617Arg (NM_001354900.2); c.4795A>C, p.Ser1599Arg (NM_001354901.2); and 5 more; short protein forms S1599R, S1640R, S1676R, S1567R, S1617R, S1375R, S1532R, S1498R.
Identifiers: ClinVar variation 928193 (VCV000928193.5), dbSNP rs1765817345, ClinGen allele CA16032213.

ClinVar aggregate classification (germline): Uncertain significance. Review status: criteria provided, multiple submitters, no conflicts (2 of 4 stars). 2 submissions from 2 submitters: Uncertain significance (2). Last evaluated 2026-04-04.

Conditions:
Hereditary cancer-predisposing syndrome. Also called: Hereditary Cancer Syndrome; Neoplastic Syndromes, Hereditary; Tumor predisposition; Hereditary neoplastic syndrome. Identifiers: Orphanet 140162, MedGen C0027672, MeSH D009386, MONDO:0015356.

Submissions (2):

Ambry Genetics
Classification: Uncertain significance for Hereditary cancer-predisposing syndrome. Last evaluated: 2026-04-04. Review status: criteria provided, single submitter. Criteria: Ambry Variant Classification Scheme 2023. Collection method: clinical testing. Allele origin: germline.
Comment: The p.S1658R variant (also known as c.4972A>C), located in coding exon 15 of the APC gene, results from an A to C substitution at nucleotide position 4972. The serine at codon 1658 is replaced by arginine, an amino acid with dissimilar properties. This amino acid position is conserved. In addition, in silico predictors for this gene do not accurately predict pathogenicity. Based on the available evidence, the clinical significance of this variant remains unclear.

Color Diagnostics, LLC DBA Color Health
Classification: Uncertain significance for Hereditary cancer-predisposing syndrome. Last evaluated: 2023-12-04. Review status: criteria provided, single submitter. Criteria: ACMG Guidelines, 2015. Collection method: clinical testing. Allele origin: germline.
Comment: This missense variant replaces serine with arginine at codon 1658 of the APC protein. Computational prediction suggests that this variant may have deleterious impact on protein structure and function (internally defined REVEL score threshold >= 0.7, PMID: 27666373). To our knowledge, functional studies have not been reported for this variant. This variant has not been reported in individuals affected with APC-related disorders in the literature. This variant has not been identified in the general population by the Genome Aggregation Database (gnomAD). The available evidence is insufficient to determine the role of this variant in disease conclusively. Therefore, this variant is classified as a Variant of Uncertain Significance.